The following is an entry in ClinVar:

ClinVar aggregate classification (germline): Uncertain significance. Review status: criteria provided, multiple submitters, no conflicts (2 of 4 stars). 2 submissions from 2 submitters: Uncertain significance (2). Last evaluated 2025-05-14.

Submissions (2):

Quest Diagnostics Nichols Institute San Juan Capistrano
Classification: Uncertain significance. Last evaluated: 2025-05-14. Review status: criteria provided, single submitter. Criteria: Quest Diagnostics criteria. Collection method: clinical testing. Allele origin: unknown.
Comment: The GALNT12 c.53G>A (p.Arg18Gln) variant has not been reported in individuals with GALNT12-related conditions in the published literature. The frequency of this variant in the general population (Genome Aggregation Database) is uninformative in the assessment of its pathogenicity. Analysis of this variant using bioinformatics tools for the prediction of the effect of amino acid changes on protein structure and function yielded predictions that this variant is benign. Based on the available information, we are unable to determine the clinical significance of this variant.

Ambry Genetics
Classification: Uncertain significance. Last evaluated: 2023-10-13. Review status: criteria provided, single submitter. Criteria: Ambry Variant Classification Scheme 2023. Collection method: clinical testing. Allele origin: germline.
Comment: The p.R18Q variant (also known as c.53G>A), located in coding exon 1 of the GALNT12 gene, results from a G to A substitution at nucleotide position 53. The arginine at codon 18 is replaced by glutamine, an amino acid with highly similar properties. This amino acid position is well conserved in available vertebrate species. In addition, this alteration is predicted to be tolerated by in silico analysis. Since supporting evidence is limited at this time, the clinical significance of this alteration remains unclear.

NM_024642.5(GALNT12):c.53G>A (p.Arg18Gln)

Genes: GALNT12 (polypeptide N-acetylgalactosaminyltransferase 12; plus strand), LOC130002222 (ATAC-STARR-seq lymphoblastoid silent region 20123; plus strand). Cytogenetic location: 9q22.33.
Variant type: single nucleotide variant.
Coding change: c.53G>A on transcript NM_024642.5 (MANE Select); coding-DNA position 53, G replaced by A.
Protein change: p.Arg18Gln; replaces arginine 18 with glutamine.
Molecular consequence: missense variant.
Genome position (GRCh38, 1-based): chr9:98,807,751, G>A. VCF-style: chr9-98807751-G-A. GRCh37 (hg19) VCF-style: chr9-101570033-G-A.
Other names: short protein forms R18Q.
Identifiers: ClinVar variation 825702 (VCV000825702.5), dbSNP rs1472321528, ClinGen allele CA374222129.